The following is an entry in ClinVar:

ClinVar aggregate classification (germline): Uncertain significance (1 of 4 stars; one submission).

Conditions:
Cardiovascular phenotype. Identifiers: MedGen CN230736.

Submission:

Ambry Genetics
Classification: Uncertain significance for Cardiovascular phenotype. Last evaluated: 2020-04-24. Review status: criteria provided, single submitter. Criteria: Ambry Variant Classification Scheme 2023. Collection method: clinical testing. Allele origin: germline.
Comment: The p.K361Q variant (also known as c.1081A>C), located in coding exon 2 of the JPH2 gene, results from an A to C substitution at nucleotide position 1081. The lysine at codon 361 is replaced by glutamine, an amino acid with similar properties. This amino acid position is highly conserved in available vertebrate species. In addition, the in silico prediction for this alteration is inconclusive. Since supporting evidence is limited at this time, the clinical significance of this alteration remains unclear.

NM_020433.5(JPH2):c.1081A>C (p.Lys361Gln)

Gene: JPH2 (junctophilin 2; minus strand). Cytogenetic location: 20q13.12.
Variant type: single nucleotide variant.
Coding change: c.1081A>C on transcript NM_020433.5 (MANE Select); coding-DNA position 1081, A replaced by C.
Protein change: p.Lys361Gln; replaces lysine 361 with glutamine.
Molecular consequence: missense variant.
Genome position (GRCh38, 1-based): chr20:44,159,706, T>G on the plus strand (A>C on the coding strand, the complement: JPH2 is on the minus strand). VCF-style: chr20-44159706-T-G. GRCh37 (hg19) VCF-style: chr20-42788346-T-G.
Other names: short protein forms K361Q.
Identifiers: ClinVar variation 1786494 (VCV001786494.2), dbSNP rs1458411742, ClinGen allele CA409093001.